The following is an entry in ClinVar:

ClinVar aggregate classification (germline): Uncertain significance (0 of 4 stars; one submission).

Conditions:
PITRM1-related disorder. Also called: PITRM1-related condition.

Allele frequency attached by ClinVar (database versions not stated): gnomAD 0.00001; gnomAD exomes 0.00001; TOPMed 0.00001.
gnomAD v4.1: 20 of 1,549,790 alleles (0.0013%); highest among the groups gnomAD compares: Admixed American, 0.002%; no homozygotes.

Submission:

PreventionGenetics, part of Exact Sciences
Classification: Uncertain significance for PITRM1-related condition. Last evaluated: 2024-05-29. Review status: no assertion criteria provided. Collection method: clinical testing. Allele origin: germline.
Comment: The PITRM1 c.2444G>A variant is predicted to result in the amino acid substitution p.Arg815His. To our knowledge, this variant has not been reported in the literature or in a large population database, indicating this variant is rare. At this time, the clinical significance of this variant is uncertain due to the absence of conclusive functional and genetic evidence.

NM_014889.4(PITRM1):c.2441G>A (p.Arg814His)

Genes: PITRM1 (pitrilysin metallopeptidase 1; minus strand), PITRM1-AS1 (PITRM1 antisense RNA 1; plus strand). Cytogenetic location: 10p15.2.
Variant type: single nucleotide variant.
Coding change: c.2441G>A on transcript NM_014889.4 (MANE Select); coding-DNA position 2441, G replaced by A.
Protein change: p.Arg814His; replaces arginine 814 with histidine.
Molecular consequence: missense variant. On other transcripts: non-coding transcript variant (5).
Genome position (GRCh38, 1-based): chr10:3,145,612, C>T on the plus strand (G>A on the coding strand, the complement: PITRM1 is on the minus strand). VCF-style: chr10-3145612-C-T. GRCh37 (hg19) VCF-style: chr10-3187804-C-T.
Other names: c.2444G>A, p.Arg815His (NM_001242307.2); c.2147G>A, p.Arg716His (NM_001242309.1); c.2243G>A, p.Arg748His (NM_001347725.2); c.1628G>A, p.Arg543His (NM_001347726.2); c.1826G>A, p.Arg609His (NM_001347727.2); c.1136G>A, p.Arg379His (NM_001347728.2); c.2417G>A, p.Arg806His (NM_001347729.1); c.2219G>A, p.Arg740His (NM_001347730.1); short protein forms R379H, R543H, R609H, R716H, R740H, R748H, R806H, R814H.
Identifiers: ClinVar variation 2635861 (VCV002635861.2), dbSNP rs1484434900, ClinGen allele CA375870659.